The following is an entry in ClinVar:

NM_005430.4(WNT1):c.578A>T (p.Asp193Val)

Gene: WNT1 (Wnt family member 1; plus strand). Cytogenetic location: 12q13.12.
Variant type: single nucleotide variant.
Coding change: c.578A>T on transcript NM_005430.4 (MANE Select); coding-DNA position 578, A replaced by T.
Protein change: p.Asp193Val; replaces aspartic acid 193 with valine.
Molecular consequence: missense variant.
Genome position (GRCh38, 1-based): chr12:48,980,643, A>T. VCF-style: chr12-48980643-A-T. GRCh37 (hg19) VCF-style: chr12-49374426-A-T.
Other names: short protein forms D193V.
Identifiers: ClinVar variation 3672085 (VCV003672085.2).
Genomic context (GRCh38, chr12:48,980,643, plus strand): 5'-ACATTGACTTCGGCCGCCTCTTCGGCCGGGAGTTCGTGGACTCCGGGGAGAAGGGGCGGG[A>T]CCTGCGCTTCCTCATGAACCTTCACAACAACGAGGCAGGCCGTACGGTGAGCTTTGAGAG-3'
Protein context (NP_005421.1, residues 183-203): EFVDSGEKGR[Asp193Val]LRFLMNLHNN

ClinVar aggregate classification (germline): Uncertain significance (1 of 4 stars; one submission).

gnomAD v4.1: 1 of 1,588,652 alleles (0.000063%); highest among the groups gnomAD compares: Admixed American, 0.0018%; no homozygotes.

Submission:

Labcorp Genetics (formerly Invitae), Labcorp
Classification: Uncertain significance. Last evaluated: 2024-04-03. Review status: criteria provided, single submitter. Criteria: Invitae Variant Classification Sherloc (09022015). Collection method: clinical testing. Allele origin: germline.
Comment: This sequence change replaces aspartic acid, which is acidic and polar, with valine, which is neutral and non-polar, at codon 193 of the WNT1 protein (p.Asp193Val). This variant is present in population databases (no rsID available, gnomAD 0.003%). This variant has not been reported in the literature in individuals affected with WNT1-related conditions. Advanced modeling of protein sequence and biophysical properties (such as structural, functional, and spatial information, amino acid conservation, physicochemical variation, residue mobility, and thermodynamic stability) has been performed at Invitae for this missense variant, however the output from this modeling did not meet the statistical confidence thresholds required to predict the impact of this variant on WNT1 protein function. In summary, the available evidence is currently insufficient to determine the role of this variant in disease. Therefore, it has been classified as a Variant of Uncertain Significance.